The following is an entry in ClinVar:

NM_000101.4(CYBA):c.345del (p.Ile116fs)

Gene: CYBA (cytochrome b-245 alpha chain; minus strand). Cytogenetic location: 16q24.2.
Variant type: Deletion.
Coding change: c.345del on transcript NM_000101.4 (MANE Select); coding-DNA position 345, one base deleted (C; older notation c.345delC).
Protein change: p.Ile116fs; shifts the reading frame from isoleucine 116.
Molecular consequence: frameshift variant.
Genome position (GRCh38, 1-based): chr16:88,646,140, G deleted on the plus strand (C on the coding strand, the reverse complement: CYBA is on the minus strand); the first of 2 consecutive G bases (chr16:88,646,140-88,646,141); deleting either gives the same sequence. VCF-style (leftmost placement, unchanged base first): chr16-88646139-TG-T. GRCh37 (hg19) VCF-style: chr16-88712547-TG-T.
Other names: short protein forms I116fs.
Identifiers: ClinVar variation 1066409 (VCV001066409.9), dbSNP rs2142873834, ClinGen allele CA2499223737.

ClinVar aggregate classification (germline): Likely pathogenic (1 of 4 stars; one submission).

Conditions:
Granulomatous disease, chronic, autosomal recessive, cytochrome b-negative. Also called: GRANULOMATOUS DISEASE, CHRONIC, AUTOSOMAL RECESSIVE, 4; CGD DUE TO DEFICIENCY OF THE ALPHA SUBUNIT OF CYTOCHROME b; CGD, AUTOSOMAL RECESSIVE CYTOCHROME b-NEGATIVE; CYBA DEFICIENCY; Chronic granulomatous disease, autosomal, due to deficiency of CYBA. Identifiers: Orphanet 379, MedGen C1856255, MONDO:0009308, OMIM 233690.

Submission:

Labcorp Genetics (formerly Invitae), Labcorp
Classification: Likely pathogenic for Granulomatous disease, chronic, autosomal recessive, cytochrome b-negative. Last evaluated: 2020-08-26. Review status: criteria provided, single submitter. Criteria: Invitae Variant Classification Sherloc (09022015). Collection method: clinical testing. Allele origin: germline.
Comment: In summary, the currently available evidence indicates that the variant is pathogenic, but additional data are needed to prove that conclusively. Therefore, this variant has been classified as Likely Pathogenic. This variant disrupts the C-terminus of the CYBA protein. Other variant(s) that disrupt this region (p.Ile134Serfs*57, p.Pro160Alafs*27, p.Lys137Serfs*54, p.Glu129Serfs*61, p.Q130*) have been observed in individuals with CYBA-related conditions (PMID: 20167518, 19292887, 18422995, 27980538). This suggests that this may be a clinically significant region of the protein. This variant has not been reported in the literature in individuals with CYBA-related conditions. This variant is not present in population databases (ExAC no frequency). This sequence change results in a premature translational stop signal in the CYBA gene (p.Ile116Leufs*75). While this is not anticipated to result in nonsense mediated decay, it is expected to disrupt the last 80 amino acids of the CYBA protein.

Literature cited by the submitters: PubMed 20167518; PubMed 19292887; PubMed 18422995; PubMed 27980538.